The following is an entry in ClinVar:

ClinVar aggregate classification (germline): Uncertain significance (1 of 4 stars; one submission).

Submission:

Women's Health and Genetics/Laboratory Corporation of America, LabCorp
Classification: Uncertain significance. Last evaluated: 2026-05-18. Review status: criteria provided, single submitter. Criteria: LabCorp Variant Classification Summary - May 2015. Collection method: clinical testing. Allele origin: germline.
Comment: Variant summary: The variant involves the duplication of exons 7-41 in the BRWD3 gene. A presumed nomenclature of c.(430+1_431-1)_(*7107_?)dup has been designated for the purposes of this classification. The exact breakpoint at the 3' end of this variant is unknown, therefore this duplication may extend downstream of the annotated region of the gene. As it duplicates the termination codon, its effect on the encoded protein is unknown. A duplication, matching exons 7-41 in the BRWD3 gene was found at a frequency of 0.00032 in 15814 control chromosomes in the gnomAD database (Structural Variants v2.1 dataset), including 4 hemizygotes. The available data on variant occurrences in the general population are insufficient to allow any conclusion about variant significance. The variant has been also observed in 2 brothers affected with cognitive impairment, epilepsy, autistic features, hearing loss, and obesity (Tassano_2018), however no supportive evidence for causality was provided. This report does not provide unequivocal conclusions about association of the variant with disease. To our knowledge, no experimental evidence demonstrating an impact on protein function has been reported. The following publication has been ascertained in the context of this evaluation (PMID: 30086552). ClinVar contains an entry for this variant (Variation ID: 3246927). Based on the evidence outlined above, the variant was classified as uncertain significance.

Literature cited by the submitters: PubMed 30086552.

NC_000023.10:g.(?_79925001)_(80001229_80047352)dup

Gene: BRWD3 (bromodomain and WD repeat domain containing 3; minus strand). Cytogenetic location: Xq21.1.
Variant type: Duplication.
Identifiers: ClinVar variation 4853014 (VCV004853014.1).